The following is an entry in ClinVar:

NM_000135.4(FANCA):c.4025T>G (p.Phe1342Cys)

Genes: FANCA (FA complementation group A; minus strand), ZNF276 (zinc finger protein 276; plus strand). Cytogenetic location: 16q24.3.
Variant type: single nucleotide variant.
Coding change: c.4025T>G on transcript NM_000135.4 (MANE Select); coding-DNA position 4025, T replaced by G.
Protein change: p.Phe1342Cys; replaces phenylalanine 1342 with cysteine.
Molecular consequence: missense variant. On other transcripts: 3 prime UTR variant (2), non-coding transcript variant (4).
Genome position (GRCh38, 1-based): chr16:89,739,275, A>C on the plus strand (T>G on the coding strand, the complement: FANCA is on the minus strand). VCF-style: chr16-89739275-A-C. GRCh37 (hg19) VCF-style: chr16-89805683-A-C.
Other names: c.4025T>G, p.Phe1342Cys (NM_001286167.3); c.*1029A>C (NM_001113525.2, NM_152287.4); short protein forms F1342C.
Identifiers: ClinVar variation 2109060 (VCV002109060.1), dbSNP rs1326007572, ClinGen allele CA397484692.

ClinVar aggregate classification (germline): Uncertain significance (1 of 4 stars; one submission).

Conditions:
Fanconi anemia (FA). Also called: Fanconi's anemia. Identifiers: Orphanet 84, MedGen C0015625, MeSH D005199, MONDO:0019391.

Allele frequency attached by ClinVar (database versions not stated): gnomAD 0.00001.
gnomAD v4.1: 1 of 1,614,010 alleles (0.000062%); highest among the groups gnomAD compares: Non-Finnish European, 0.000085%; no homozygotes.

Submission:

Labcorp Genetics (formerly Invitae), Labcorp
Classification: Uncertain significance for Fanconi anemia. Last evaluated: 2022-03-11. Review status: criteria provided, single submitter. Criteria: Invitae Variant Classification Sherloc (09022015). Collection method: clinical testing. Allele origin: germline.
Comment: This sequence change replaces phenylalanine, which is neutral and non-polar, with cysteine, which is neutral and slightly polar, at codon 1342 of the FANCA protein (p.Phe1342Cys). This variant is present in population databases (no rsID available, gnomAD 0.007%). This variant has not been reported in the literature in individuals affected with FANCA-related conditions. Algorithms developed to predict the effect of missense changes on protein structure and function (SIFT, PolyPhen-2, Align-GVGD) all suggest that this variant is likely to be disruptive. Algorithms developed to predict the effect of sequence changes on RNA splicing suggest that this variant may disrupt the consensus splice site. In summary, the available evidence is currently insufficient to determine the role of this variant in disease. Therefore, it has been classified as a Variant of Uncertain Significance.